The following is an entry in ClinVar:

ClinVar aggregate classification (germline): Conflicting classifications of pathogenicity. Review status: criteria provided, conflicting classifications (1 of 4 stars). 10 submissions from 10 submitters: Uncertain significance (5); Likely benign (3). 2 of the submissions do not count toward it. Last evaluated 2026-01-27.

Conditions:
UBR1-related disorder. Also called: UBR1-related condition.
Johanson-Blizzard syndrome (JBS). Also called: Nasal alar hypoplasia, hypothyroidism, pancreatic achylia and congenital deafness. Identifiers: Orphanet 2315, MedGen C0175692, MONDO:0009479, OMIM 243800.

Allele frequency attached by ClinVar (database versions not stated): gnomAD 0.00053 and 0.00057; gnomAD exomes 0.00063 and 0.00079; ExAC 0.00069; ESP Exome Variant Server 0.00069; 1000 Genomes Project 0.00080; TOPMed 0.00082; 1000 Genomes Project 30x 0.00125.
gnomAD v4.1: 997 of 1,614,020 alleles (0.062%); highest among the groups gnomAD compares: Admixed American, 0.18%; 4 homozygotes.

Submissions (10):

Labcorp Genetics (formerly Invitae), Labcorp
Classification: Likely benign. Last evaluated: 2026-01-27. Review status: criteria provided, single submitter. Criteria: Invitae Variant Classification Sherloc (09022015). Collection method: clinical testing. Allele origin: germline.

Blueprint Genetics
Classification: Likely benign. Last evaluated: 2024-11-27. Review status: criteria provided, single submitter. Criteria: ACMG Guidelines, 2015. Collection method: clinical testing. Allele origin: germline.

CeGaT Center for Human Genetics Tuebingen
Classification: Likely benign. Last evaluated: 2023-10-01. Review status: criteria provided, single submitter. Criteria: CeGaT Center For Human Genetics Tuebingen Variant Classification Criteria Version 2. Collection method: clinical testing. Allele origin: germline. Affected: yes. Observed: 2 variant alleles.
Comment: UBR1: BS2

GeneDx
Classification: Uncertain significance. Last evaluated: 2022-07-14. Review status: criteria provided, single submitter. Criteria: GeneDx Variant Classification Process June 2021. Collection method: clinical testing. Allele origin: germline. Affected: yes.
Comment: In silico analysis supports that this missense variant has a deleterious effect on protein structure/function; Has not been previously published as pathogenic or benign to our knowledge

Revvity Omics, Revvity
Classification: Uncertain significance for Johanson-Blizzard syndrome. Last evaluated: 2022-03-01. Review status: criteria provided, single submitter. Criteria: ACMG Guidelines, 2015. Collection method: clinical testing. Allele origin: germline.

Genetic Services Laboratory, University of Chicago
Classification: Uncertain significance. Last evaluated: 2016-11-07. Review status: criteria provided, single submitter. Criteria: ACMG Guidelines, 2015. Collection method: clinical testing. Allele origin: germline. Affected: no.

Center for Pediatric Genomic Medicine, Children's Mercy Hospital and Clinics
Classification: Uncertain significance. Last evaluated: 2016-01-27. Review status: criteria provided, single submitter. Criteria: ACMG Guidelines, 2015. Collection method: clinical testing. Allele origin: germline.
ClinVar note: Converted during submission from Uncertain Significance to Uncertain significance.

Breakthrough Genomics
Classification: Uncertain significance. Review status: criteria provided, single submitter. Criteria: ACMG Guidelines, 2015. Collection method: not provided. Allele origin: germline. Inheritance: Autosomal recessive inheritance. Affected: yes.

PreventionGenetics, part of Exact Sciences
Classification: Likely benign for UBR1-related condition. Last evaluated: 2022-11-20. Review status: no assertion criteria provided. Collection method: clinical testing. Allele origin: germline. Not counted in ClinVar's aggregate classification.
Comment: This variant is classified as likely benign based on ACMG/AMP sequence variant interpretation guidelines (Richards et al. 2015 PMID: 25741868, with internal and published modifications).

Department of Pathology and Laboratory Medicine, Sinai Health System
Classification: Uncertain significance. Review status: no assertion criteria provided. Collection method: clinical testing. Allele origin: unknown. Affected: yes. Study: The Canadian Open Genetics Repository (COGR). Not counted in ClinVar's aggregate classification.
Comment: The UBR1 p.Thr1097Met variant was not identified in the literature but was identified in dbSNP (ID: rs142285781). The variant was also identified in ClinVar (classified as a VUS by Center for Pediatric Genomic Medicine - Mercy Hospital and Genetic Services Laboratory - University of Chicago), Cosmic (FATHMM prediction of pathogenic; score=0.99) and LOVD 3.0 (classified as a VUS). The variant was identified in control databases in 210 of 282884 chromosomes (1 homozygous) at a frequency of 0.000742 increasing the likelihood this could be a low frequency benign variant (Genome Aggregation Database Feb 27, 2017). The variant was observed in the following populations: Latino in 56 of 35440 chromosomes (freq: 0.00158), European (non-Finnish) in 115 of 129194 chromosomes (freq: 0.00089), South Asian in 26 of 30616 chromosomes (freq: 0.000849), Other in 6 of 7228 chromosomes (freq: 0.00083), African in 5 of 24964 chromosomes (freq: 0.0002) and East Asian in 2 of 19950 chromosomes (freq: 0.0001); it was not observed in the Ashkenazi Jewish or European (Finnish) populations. The variant occurs outside of the splicing consensus sequence and in silico or computational prediction software programs (SpliceSiteFinder, MaxEntScan, NNSPLICE, GeneSplicer) do not predict a difference in splicing. The p.Thr1097 residue is conserved in mammals but not in more distantly related organisms, and four out of five computational analyses (PolyPhen-2, SIFT, AlignGVGD, BLOSUM, MutationTaster) suggest that the variant may impact the protein; however, this information is not predictive enough to assume pathogenicity. In summary, based on the above information the clinical significance of this variant cannot be determined with certainty at this time. This variant is classified as a variant of uncertain significance.

NM_174916.3(UBR1):c.3290C>T (p.Thr1097Met)

Gene: UBR1 (ubiquitin protein ligase E3 component n-recognin 1; minus strand). Cytogenetic location: 15q15.2.
Variant type: single nucleotide variant.
Coding change: c.3290C>T on transcript NM_174916.3 (MANE Select); coding-DNA position 3290, C replaced by T.
Protein change: p.Thr1097Met; replaces threonine 1097 with methionine.
Molecular consequence: missense variant.
Genome position (GRCh38, 1-based): chr15:43,007,204, G>A on the plus strand (C>T on the coding strand, the complement: UBR1 is on the minus strand). VCF-style: chr15-43007204-G-A. GRCh37 (hg19) VCF-style: chr15-43299402-G-A.
Other names: short protein forms T1097M.
Identifiers: ClinVar variation 235664 (VCV000235664.44), dbSNP rs142285781, ClinGen allele CA7518195.